The following is an entry in ClinVar:

ClinVar aggregate classification (germline): Benign (1 of 4 stars; one submission).

Conditions:
Neurofibromatosis, type 1 (NF1). Also called: VON RECKLINGHAUSEN DISEASE; NEUROFIBROMATOSIS, TYPE I, SOMATIC; Peripheral type neurofibromatosis; Neurofibromatosis, type I. Identifiers: Orphanet 636, MedGen C0027831, MONDO:0018975, OMIM 162200. Disease mechanism: loss of function.

gnomAD v4.1: 1 of 1,613,956 alleles (0.000062%); no homozygotes.

Submission:

Myriad Genetics, Inc.
Classification: Benign for Neurofibromatosis, type 1. Last evaluated: 2026-05-26. Review status: criteria provided, single submitter. Criteria: Myriad Autosomal Dominant, Autosomal Recessive and X-Linked Classification Criteria (2023). Collection method: clinical testing. Allele origin: unknown.
Comment: This variant is considered benign. This variant occurs in the non-coding 3' untranslated region of the gene, and is not expected to impact protein function.

NM_001042492.3(NF1):c.*10G>T

Gene: NF1 (neurofibromin 1; plus strand). Cytogenetic location: 17q11.2.
Variant type: single nucleotide variant.
Coding change: c.*10G>T on transcript NM_001042492.3 (MANE Select); 10 bases downstream of the stop codon, G replaced by T.
Molecular consequence: 3 prime UTR variant.
Genome position (GRCh38, 1-based): chr17:31,374,165, G>T. VCF-style: chr17-31374165-G-T. GRCh37 (hg19) VCF-style: chr17-29701183-G-T.
Other names: c.*10G>T (NM_000267.4).
Identifiers: ClinVar variation 4876160 (VCV004876160.1).